The following is an entry in ClinVar:

ClinVar aggregate classification (germline): Uncertain significance (1 of 4 stars; one submission).

Allele frequency attached by ClinVar (database versions not stated): ExAC 0.00001.
gnomAD v4.1: 1 of 1,527,254 alleles (0.000065%); highest among the groups gnomAD compares: Admixed American, 0.0019%; no homozygotes.

Submission:

Women's Health and Genetics/Laboratory Corporation of America, LabCorp
Classification: Uncertain significance. Last evaluated: 2023-04-14. Review status: criteria provided, single submitter. Criteria: LabCorp Variant Classification Summary - May 2015. Collection method: clinical testing. Allele origin: germline.
Comment: Variant summary: FDFT1 c.702+1G>T is located in a canonical splice-site and is predicted to affect mRNA splicing resulting in a significantly altered protein due to either exon skipping, shortening, or inclusion of intronic material. Several computational tools predict a significant impact on normal splicing: Four predict the variant abolishes a 5 splicing donor site. However, these predictions have yet to be confirmed by functional studies. The variant allele was found at a frequency of 4.4e-06 in 226098 control chromosomes (gnomAD). The available data on variant occurrences in the general population are insufficient to allow any conclusion about variant significance. To our knowledge, no occurrence of c.702+1G>T in individuals affected with Squalene Synthase Deficiency and no experimental evidence demonstrating its impact on protein function have been reported. No clinical diagnostic laboratories have submitted clinical-significance assessments for this variant to ClinVar after 2014. Based on the evidence outlined above, the variant was classified as uncertain significance.

NM_004462.5(FDFT1):c.702+1G>T

Gene: FDFT1 (farnesyl-diphosphate farnesyltransferase 1). Cytogenetic location: 8p23.1.
Variant type: single nucleotide variant.
Coding change: c.702+1G>T on transcript NM_004462.5 (MANE Select); the canonical splice donor site of the intron after coding-DNA position 702, G replaced by T.
Molecular consequence: splice donor variant.
Genome position (GRCh38, 1-based): chr8:11,826,216, G>T. VCF-style: chr8-11826216-G-T. GRCh37 (hg19) VCF-style: chr8-11683725-G-T.
Other names: c.702+1G>T (NM_001287742.2, NM_001287743.2); c.510+1G>T (NM_001287744.2, NM_001287745.2, NM_001287747.2 and 2 more transcripts); c.201+1G>T (NM_001287756.2); c.879+1G>T (NM_001287750.2); c.447+1G>T (NM_001287751.2).
Identifiers: ClinVar variation 2504009 (VCV002504009.1), dbSNP rs753034680, ClinGen allele CA4631926.